The following is an entry in ClinVar:

NM_004656.4(BAP1):c.2042T>C (p.Met681Thr)

Gene: BAP1 (BRCA1 associated deubiquitinase 1; minus strand). Cytogenetic location: 3p21.1.
Variant type: single nucleotide variant.
Coding change: c.2042T>C on transcript NM_004656.4 (MANE Select); coding-DNA position 2042, T replaced by C.
Protein change: p.Met681Thr; replaces methionine 681 with threonine.
Molecular consequence: missense variant.
Genome position (GRCh38, 1-based): chr3:52,402,616, A>G on the plus strand (T>C on the coding strand, the complement: BAP1 is on the minus strand). VCF-style: chr3-52402616-A-G. GRCh37 (hg19) VCF-style: chr3-52436632-A-G.
Other names: c.1988T>C, p.Met663Thr (NM_001410772.1); short protein forms M663T, M681T.
Identifiers: ClinVar variation 4620873 (VCV004620873.1).

ClinVar aggregate classification (germline): Uncertain significance (1 of 4 stars; one submission).

Conditions:
Hereditary cancer-predisposing syndrome. Also called: Neoplastic Syndromes, Hereditary; Tumor predisposition; Hereditary Cancer Syndrome; Hereditary neoplastic syndrome. Identifiers: Orphanet 140162, MedGen C0027672, MeSH D009386, MONDO:0015356.

gnomAD v4.1: 1 of 1,614,176 alleles (0.000062%); highest among the groups gnomAD compares: South Asian, 0.0011%; no homozygotes.

Submission:

Ambry Genetics
Classification: Uncertain significance for Hereditary cancer-predisposing syndrome. Last evaluated: 2025-12-08. Review status: criteria provided, single submitter. Criteria: Ambry Variant Classification Scheme 2023. Collection method: clinical testing. Allele origin: germline.
Comment: The p.M681T variant (also known as c.2042T>C), located in coding exon 16 of the BAP1 gene, results from a T to C substitution at nucleotide position 2042. The methionine at codon 681 is replaced by threonine, an amino acid with similar properties. This amino acid position is conserved. In addition, this alteration is predicted to be deleterious by in silico analysis. Based on the available evidence, the clinical significance of this variant remains unclear.